The following is an entry in ClinVar:

ClinVar aggregate classification (germline): Pathogenic (1 of 4 stars; one submission).

Conditions:
Neurofibromatosis, type 1 (NF1). Also called: Peripheral type neurofibromatosis; Neurofibromatosis, type I; VON RECKLINGHAUSEN DISEASE; NEUROFIBROMATOSIS, TYPE I, SOMATIC. Identifiers: Orphanet 636, MedGen C0027831, MONDO:0018975, OMIM 162200. Disease mechanism: loss of function.

Submission:

Labcorp Genetics (formerly Invitae), Labcorp
Classification: Pathogenic for Neurofibromatosis, type 1. Last evaluated: 2019-03-22. Review status: criteria provided, single submitter. Criteria: Invitae Variant Classification Sherloc (09022015). Collection method: clinical testing. Allele origin: germline.
Comment: For these reasons, this variant has been classified as Pathogenic. Loss-of-function variants in NF1 are known to be pathogenic (PMID: 10712197, 23913538). This variant has not been reported in the literature in individuals with NF1-related conditions. This variant is not present in population databases (ExAC no frequency). This sequence change creates a premature translational stop signal (p.Met867Ilefs*13) in the NF1 gene. It is expected to result in an absent or disrupted protein product.

Literature cited by the submitters: PubMed 10712197; PubMed 23913538.

NM_001042492.3(NF1):c.2596_2600dup (p.Met867fs)

Gene: NF1 (neurofibromin 1; plus strand). Cytogenetic location: 17q11.2.
Variant type: Duplication.
Coding change: c.2596_2600dup on transcript NM_001042492.3 (MANE Select); coding-DNA positions 2596 to 2600, 5 bases duplicated (CCCAT; older notation c.2596_2600dupCCCAT).
Protein change: p.Met867fs; shifts the reading frame from methionine 867.
Molecular consequence: frameshift variant.
Genome position (GRCh38, 1-based): chr17:31,229,211-31,229,215, CCCAT duplicated. VCF-style (leftmost placement, unchanged base first): chr17-31229210-A-ACCCAT. GRCh37 (hg19) VCF-style: chr17-29556228-A-ACCCAT.
Other names: c.2596_2600dup, p.Met867Ilefs (NM_000267.4); short protein forms M867fs.
Identifiers: ClinVar variation 837844 (VCV000837844.6), dbSNP rs2067069052, ClinGen allele CA916080618.